The following is an entry in ClinVar:

ClinVar aggregate classification (germline): Conflicting classifications of pathogenicity. Review status: criteria provided, conflicting classifications (1 of 4 stars). 3 submissions from 3 submitters: Likely pathogenic (1); Uncertain significance (1). 1 of the submissions does not count toward it. Last evaluated 2025-12-17.

Conditions:
Brain small vessel disease 2A, autosomal dominant. Also called: Porencephaly 2. Identifiers: Orphanet 2940, Orphanet 99810, MedGen C3280970, MONDO:0013773, OMIM 614483.

Allele frequency attached by ClinVar (database versions not stated): gnomAD exomes 0.00001; ExAC 0.00002.
gnomAD v4.1: 7 of 1,590,898 alleles (0.00044%); highest among the groups gnomAD compares: Non-Finnish European, 0.0006%; no homozygotes.

Submissions (3):

Variantyx, Inc.
Classification: Likely pathogenic for Brain small vessel disease 2A, autosomal dominant. Last evaluated: 2025-12-17. Review status: criteria provided, single submitter. Criteria: Variantyx Assertion Criteria 2022. Collection method: clinical testing. Allele origin: de novo. Inheritance: Autosomal dominant inheritance. Affected: yes.
Comment: This is a nonsynonymous variant in the COL4A2 gene (OMIM: 120090). Pathogenic variants in this gene have been associated with autosomal dominant brain small vessel disease 2. This variant replaces a glycine residue in the repetitive Gly-X-Y sequence of the triple helical domain, which is a common disease mechanism in collagenopathies (PMID:36324412, 25719457) (PM1). Multiple computational algorithms predict a deleterious effect for this variant (REVEL score: 0.927) (PP3). This variant has a 0.0006% maximum allele frequency in non-founder control populations (PM2). Based on the current evidence, this variant is classified as likely pathogenic for autosomal dominant brain small vessel disease 2.

GeneDx
Classification: Uncertain significance. Last evaluated: 2025-10-29. Review status: criteria provided, single submitter. Criteria: GeneDx Variant Classification Process June 2021. Collection method: clinical testing. Allele origin: germline. Affected: yes.
Comment: Has not been previously reported in peer-reviewed literature as pathogenic or benign to our knowledge; however, in a dissertation by Krber-Rosso, p.(G1362R) was reported in the presence of a second COL4A2 variant in a patient with epilepsy, periventricular leukomalacia, microbleeds on brain MRI, cerebral palsy, and developmental delay (Krber-Rosso I. Epilepsy in patients carrying COL4A1/COL4A2 mutations with focus on neuroimaging, epilepsy surgery and histology); In silico analysis supports that this missense variant has a deleterious effect on protein structure/function; Affects a glycine residue in a Gly-X-Y motif in the triple helical region of the COL4A2 gene; This variant is associated with the following publications: (PMID: Krber-Rosso2024[Dissertation])

Biochemical Molecular Genetic Laboratory, King Abdulaziz Medical City
Classification: Uncertain significance for Brain small vessel disease 2A, autosomal dominant. Last evaluated: 2020-02-05. Review status: no assertion criteria provided. Collection method: clinical testing. Allele origin: germline. Affected: yes. Not counted in ClinVar's aggregate classification.

Literature cited by the submitters: PubMed 36324412 (cited by Variantyx, Inc.); PubMed 25719457 (cited by Variantyx, Inc.).

NM_001846.4(COL4A2):c.4084G>A (p.Gly1362Arg)

Genes: COL4A2 (collagen type IV alpha 2 chain; plus strand), COL4A2-AS1 (COL4A2 antisense RNA 1; minus strand). Cytogenetic location: 13q34.
Variant type: single nucleotide variant.
Coding change: c.4084G>A on transcript NM_001846.4 (MANE Select); coding-DNA position 4084, G replaced by A.
Protein change: p.Gly1362Arg; replaces glycine 1362 with arginine.
Molecular consequence: missense variant.
Genome position (GRCh38, 1-based): chr13:110,503,427, G>A. VCF-style: chr13-110503427-G-A. GRCh37 (hg19) VCF-style: chr13-111155774-G-A.
Other names: short protein forms G1362R.
Identifiers: ClinVar variation 828133 (VCV000828133.4), dbSNP rs757047420, ClinGen allele CA7050403.